The following is an entry in ClinVar:

NM_000179.3(MSH6):c.2722G>C (p.Glu908Gln)

Gene: MSH6 (mutS homolog 6; plus strand). Cytogenetic location: 2p16.3.
Variant type: single nucleotide variant.
Coding change: c.2722G>C on transcript NM_000179.3 (MANE Select); coding-DNA position 2722, G replaced by C.
Protein change: p.Glu908Gln; replaces glutamic acid 908 with glutamine.
Molecular consequence: missense variant.
Genome position (GRCh38, 1-based): chr2:47,800,705, G>C. VCF-style: chr2-47800705-G-C. GRCh37 (hg19) VCF-style: chr2-48027844-G-C.
Other names: c.2644G>C, p.Glu882Gln (NM_001406804.1); c.2425G>C, p.Glu809Gln (NM_001406805.1, NM_001406797.1, NM_001406801.1 and 10 more transcripts); c.2197G>C, p.Glu733Gln (NM_001406806.1, NM_001406807.1, NM_001406799.1); c.2722G>C, p.Glu908Gln (NM_001406808.1, NM_001406809.1, NM_001406796.1 and 2 more transcripts); c.1816G>C, p.Glu606Gln (NM_001406811.1, NM_001406812.1, NM_001406814.1 and 6 more transcripts); c.2728G>C, p.Glu910Gln (NM_001406813.1); c.2332G>C, p.Glu778Gln (NM_001281492.2); c.2818G>C, p.Glu940Gln (NM_001406795.1, NM_001406802.1); and 2 more; short protein forms E223Q, E606Q, E733Q, E778Q, E809Q, E852Q, E882Q, E908Q.
Identifiers: ClinVar variation 1722236 (VCV001722236.7), dbSNP rs886056144, ClinGen allele CA346755359.
Genomic context (GRCh38, chr2:47,800,705, plus strand): 5'-AAGCAGGTCATCTCTCTGCAGACAAAAAATCCTGAAGGTCGTTTTCCTGATTTGACTGTA[G>C]AATTGAACCGATGGGATACAGCCTTTGACCATGAAAAGGCTCGAAAGACTGGACTTATTA-3'
Protein context (NP_000170.1, residues 898-918): PEGRFPDLTV[Glu908Gln]LNRWDTAFDH

ClinVar aggregate classification (germline): Uncertain significance. Review status: criteria provided, multiple submitters, no conflicts (2 of 4 stars). 2 submissions from 2 submitters: Uncertain significance (2). Last evaluated 2023-11-25.

Conditions:
Hereditary nonpolyposis colorectal neoplasms. Identifiers: MedGen C0009405, MeSH D003123.

Submissions (2):

GeneDx
Classification: Uncertain significance. Last evaluated: 2023-11-25. Review status: criteria provided, single submitter. Criteria: GeneDx Variant Classification Process June 2021. Collection method: clinical testing. Allele origin: germline. Affected: yes.
Comment: Not observed at significant frequency in large population cohorts (gnomAD); In silico analysis supports that this missense variant does not alter protein structure/function; Has not been previously published as pathogenic or benign to our knowledge

Labcorp Genetics (formerly Invitae), Labcorp
Classification: Uncertain significance for Hereditary nonpolyposis colorectal neoplasms. Last evaluated: 2022-10-27. Review status: criteria provided, single submitter. Criteria: Invitae Variant Classification Sherloc (09022015). Collection method: clinical testing. Allele origin: germline.
Comment: This sequence change replaces glutamic acid, which is acidic and polar, with glutamine, which is neutral and polar, at codon 908 of the MSH6 protein (p.Glu908Gln). This variant is not present in population databases (gnomAD no frequency). This variant has not been reported in the literature in individuals affected with MSH6-related conditions. Advanced modeling of protein sequence and biophysical properties (such as structural, functional, and spatial information, amino acid conservation, physicochemical variation, residue mobility, and thermodynamic stability) performed at Invitae indicates that this missense variant is not expected to disrupt MSH6 protein function. In summary, the available evidence is currently insufficient to determine the role of this variant in disease. Therefore, it has been classified as a Variant of Uncertain Significance.